The following is an entry in ClinVar:

NM_005301.5(GPR35):c.85G>A (p.Val29Ile)

Gene: GPR35 (G protein-coupled receptor 35; plus strand). Cytogenetic location: 2q37.3.
Variant type: single nucleotide variant.
Coding change: c.85G>A on transcript NM_005301.5 (MANE Select); coding-DNA position 85, G replaced by A.
Protein change: p.Val29Ile; replaces valine 29 with isoleucine.
Molecular consequence: missense variant.
Genome position (GRCh38, 1-based): chr2:240,630,037, G>A. VCF-style: chr2-240630037-G-A. GRCh37 (hg19) VCF-style: chr2-241569454-G-A.
Other names: c.178G>A, p.Val60Ile (NM_001195381.3, NM_001195382.3, NM_001394730.1); short protein forms V29I, V60I.
Identifiers: ClinVar variation 784590 (VCV000784590.29), dbSNP rs139197368, ClinGen allele CA2206194.

ClinVar aggregate classification (germline): Benign. Review status: criteria provided, multiple submitters, no conflicts (2 of 4 stars). 3 submissions from 3 submitters: Benign (3). Last evaluated 2026-08-01.

Allele frequency attached by ClinVar (database versions not stated): 1000 Genomes Project 30x 0.00515; 1000 Genomes Project 0.00519; TOPMed 0.00606; gnomAD 0.00621 and 0.00640; gnomAD exomes 0.00765 and 0.00952; ExAC 0.00778; ESP Exome Variant Server 0.00877.
gnomAD v4.1: 14,861 of 1,612,702 alleles (0.92%); highest among the groups gnomAD compares: Middle Eastern, 1.3%; 104 homozygotes.

Submissions (3):

CeGaT Center for Human Genetics Tuebingen
Classification: Benign. Last evaluated: 2026-08-01. Review status: criteria provided, single submitter. Criteria: CeGaT Center For Human Genetics Tuebingen Variant Classification Criteria Version 2. Collection method: clinical testing. Allele origin: germline. Affected: yes. Observed: 7 variant alleles.
Comment: GPR35: BP4, BS1, BS2

Labcorp Genetics (formerly Invitae), Labcorp
Classification: Benign. Last evaluated: 2019-12-31. Review status: criteria provided, single submitter. Criteria: Invitae Variant Classification Sherloc (09022015). Collection method: clinical testing. Allele origin: germline.

Breakthrough Genomics
Classification: Benign. Review status: criteria provided, single submitter. Criteria: ACMG Guidelines, 2015. Collection method: not provided. Allele origin: germline. Inheritance: Unknown mechanism. Affected: yes.